The following is an entry in ClinVar:

NM_016642.4(SPTBN5):c.1115G>A (p.Arg372Gln)

Gene: SPTBN5 (spectrin beta, non-erythrocytic 5; minus strand). Cytogenetic location: 15q15.1.
Variant type: single nucleotide variant.
Coding change: c.1115G>A on transcript NM_016642.4 (MANE Select); coding-DNA position 1115, G replaced by A.
Protein change: p.Arg372Gln; replaces arginine 372 with glutamine.
Molecular consequence: missense variant.
Genome position (GRCh38, 1-based): chr15:41,886,140, C>T on the plus strand (G>A on the coding strand, the complement: SPTBN5 is on the minus strand). VCF-style: chr15-41886140-C-T. GRCh37 (hg19) VCF-style: chr15-42178338-C-T.
Other names: short protein forms R372Q.
Identifiers: ClinVar variation 3905501 (VCV003905501.10).

ClinVar aggregate classification (germline): Likely benign (1 of 4 stars; one submission).

gnomAD v4.1: 14 of 1,611,660 alleles (0.00087%); highest among the groups gnomAD compares: East Asian, 0.0089%; no homozygotes.

Submission:

CeGaT Center for Human Genetics Tuebingen
Classification: Likely benign. Last evaluated: 2025-05-01. Review status: criteria provided, single submitter. Criteria: CeGaT Center For Human Genetics Tuebingen Variant Classification Criteria Version 2. Collection method: clinical testing. Allele origin: germline. Affected: yes. Observed: 1 variant allele.
Comment: SPTBN5: BP4